The following is an entry in ClinVar:

NM_000175.5(GPI):c.695C>A (p.Ala232Glu)

Gene: GPI (glucose-6-phosphate isomerase; plus strand). Cytogenetic location: 19q13.11.
Variant type: single nucleotide variant.
Coding change: c.695C>A on transcript NM_000175.5 (MANE Select); coding-DNA position 695, C replaced by A.
Protein change: p.Ala232Glu; replaces alanine 232 with glutamic acid.
Molecular consequence: missense variant.
Genome position (GRCh38, 1-based): chr19:34,378,995, C>A. VCF-style: chr19-34378995-C-A. GRCh37 (hg19) VCF-style: chr19-34869900-C-A.
Other names: c.728C>A, p.Ala243Glu (NM_001184722.1); c.812C>A, p.Ala271Glu (NM_001289789.1); c.611C>A, p.Ala204Glu (NM_001289790.3); c.695C>A, p.Ala232Glu (NM_001329909.1, NM_001329910.1, NM_001329911.2); short protein forms A232E, A243E, A271E, A204E.
Identifiers: ClinVar variation 1913143 (VCV001913143.5), dbSNP rs199742342, ClinGen allele CA405251500.

ClinVar aggregate classification (germline): Uncertain significance (1 of 4 stars; one submission).

Submission:

Labcorp Genetics (formerly Invitae), Labcorp
Classification: Uncertain significance. Last evaluated: 2022-06-25. Review status: criteria provided, single submitter. Criteria: Invitae Variant Classification Sherloc (09022015). Collection method: clinical testing. Allele origin: germline.
Comment: This variant is present in population databases (no rsID available, gnomAD 0.003%). In summary, the available evidence is currently insufficient to determine the role of this variant in disease. Therefore, it has been classified as a Variant of Uncertain Significance. Algorithms developed to predict the effect of missense changes on protein structure and function (SIFT, PolyPhen-2, Align-GVGD) all suggest that this variant is likely to be tolerated. This variant has not been reported in the literature in individuals affected with GPI-related conditions. This sequence change replaces alanine, which is neutral and non-polar, with glutamic acid, which is acidic and polar, at codon 232 of the GPI protein (p.Ala232Glu).